The following is an entry in ClinVar:

NM_000256.3(MYBPC3):c.3750C>G (p.Ile1250Met)

Gene: MYBPC3 (myosin binding protein C3; minus strand). Cytogenetic location: 11p11.2.
Variant type: single nucleotide variant.
Coding change: c.3750C>G on transcript NM_000256.3 (MANE Select); coding-DNA position 3750, C replaced by G.
Protein change: p.Ile1250Met; replaces isoleucine 1250 with methionine.
Molecular consequence: missense variant.
Genome position (GRCh38, 1-based): chr11:47,332,136, G>C on the plus strand (C>G on the coding strand, the complement: MYBPC3 is on the minus strand). VCF-style: chr11-47332136-G-C. GRCh37 (hg19) VCF-style: chr11-47353687-G-C.
Other names: short protein forms I1250M.
Identifiers: ClinVar variation 1332471 (VCV001332471.7), dbSNP rs770102135, ClinGen allele CA079527.
Genomic context (GRCh38, chr11:47,332,136, plus strand): 5'-CACCTCCAGGCGGCACTCACACCGTGCCTCGCCCTGTAAGTTGGTGGCCCTGCAGACATA[G>C]ATGCCCCCGTCAAAGGGGCAGGGCTTTCTAATCTCCAGAGTCAACACTCCCTGCTTGCTG-3'
Protein context (NP_000247.2, residues 1240-1260): IRKPCPFDGG[Ile1250Met]YVCRATNLQG

ClinVar aggregate classification (germline): Conflicting classifications of pathogenicity. Review status: criteria provided, conflicting classifications (1 of 4 stars). 4 submissions from 4 submitters: Uncertain significance (3); Likely benign (1). Last evaluated 2025-12-26.

Conditions:
Cardiomyopathy (CMYO). Also called: Cardiomyopathies. Identifiers: Orphanet 167848, MedGen C0878544, MONDO:0004994, HP:0001638. Inheritance: Various modes of inheritance.
Cardiovascular phenotype. Identifiers: MedGen CN230736.
Hypertrophic cardiomyopathy. Also called: HYPERTROPHIC MYOCARDIOPATHY. Identifiers: Orphanet 217569, MedGen C0007194, MeSH D002312, MONDO:0005045, HP:0001639.

Allele frequency attached by ClinVar (database versions not stated): gnomAD exomes 0.00001; TOPMed 0.00001; ExAC 0.00002.
gnomAD v4.1: 10 of 1,613,716 alleles (0.00062%); highest among the groups gnomAD compares: East Asian, 0.022%; no homozygotes.

Submissions (4):

Labcorp Genetics (formerly Invitae), Labcorp
Classification: Uncertain significance for Hypertrophic cardiomyopathy. Last evaluated: 2025-12-26. Review status: criteria provided, single submitter. Criteria: Invitae Variant Classification Sherloc (09022015). Collection method: clinical testing. Allele origin: germline.
Comment: This sequence change replaces isoleucine, which is neutral and non-polar, with methionine, which is neutral and non-polar, at codon 1250 of the MYBPC3 protein (p.Ile1250Met). This variant is present in population databases (rs770102135, gnomAD 0.02%). This missense change has been observed in individual(s) with hypertrophic cardiomyopathy (PMID: 32888301). ClinVar contains an entry for this variant (Variation ID: 1332471). An algorithm developed to predict the effect of missense changes on protein structure and function (PolyPhen-2) suggests that this variant is likely to be tolerated. In summary, the available evidence is currently insufficient to determine the role of this variant in disease. Therefore, it has been classified as a Variant of Uncertain Significance.

Ambry Genetics
Classification: Likely benign for Cardiovascular phenotype. Last evaluated: 2024-04-16. Review status: criteria provided, single submitter. Criteria: Ambry Variant Classification Scheme 2023. Collection method: clinical testing. Allele origin: germline.

Color Diagnostics, LLC DBA Color Health
Classification: Uncertain significance for Cardiomyopathy. Last evaluated: 2024-02-07. Review status: criteria provided, single submitter. Criteria: ACMG Guidelines, 2015. Collection method: clinical testing. Allele origin: germline.
Comment: This missense variant replaces isoleucine with methionine at codon 1250 of the MYBPC3 protein. Computational prediction tools indicate that this variant has a neutral impact on protein structure and function. To our knowledge, functional studies have not been reported for this variant. This variant has been reported in one individual affected with apical hypertrophic cardiomyopathy with left ventricular apical aneurysm in the literature (PMID: 32888301). This variant has been identified in 3/249080 chromosomes in the general population by the Genome Aggregation Database (gnomAD). The available evidence is insufficient to determine the role of this variant in disease conclusively. Therefore, this variant is classified as a Variant of Uncertain Significance.

All of Us Research Program, National Institutes of Health
Classification: Uncertain significance for Hypertrophic cardiomyopathy. Last evaluated: 2023-04-27. Review status: criteria provided, single submitter. Criteria: ACMG Guidelines, 2015. Collection method: clinical testing. Allele origin: germline. Inheritance: Autosomal dominant inheritance. Observed: 1 variant allele, 1 heterozygote.
Comment: This missense variant replaces isoleucine with methionine at codon 1250 of the MYBPC3 protein. Computational prediction suggests that this variant may not impact protein structure and function (internally defined REVEL score threshold <= 0.5, PMID: 27666373). To our knowledge, functional studies have not been reported for this variant. This variant has been reported in one individual affected with apical hypertrophic cardiomyopathy with left ventricular apical aneurysm in the literature (PMID: 32888301). This variant has been identified in 3/249080 chromosomes in the general population by the Genome Aggregation Database (gnomAD). The available evidence is insufficient to determine the role of this variant in disease conclusively. Therefore, this variant is classified as a Variant of Uncertain Significance.

This study involves interpretation of variants in research participants for the purpose of population health screening. Participant phenotype was not available at the time of variant classification. Additional details can be found in publication PMID: 35346344, PMCID: PMC8962531

Literature cited by the submitters: PubMed 32888301 (cited by 4 submitters).